The following is an entry in ClinVar:

ClinVar aggregate classification (germline): Uncertain significance (1 of 4 stars; one submission).

Allele frequency attached by ClinVar (database versions not stated): gnomAD exomes below 0.00001; gnomAD 0.00001.

Submission:

Labcorp Genetics (formerly Invitae), Labcorp
Classification: Uncertain significance. Last evaluated: 2022-07-25. Review status: criteria provided, single submitter. Criteria: Invitae Variant Classification Sherloc (09022015). Collection method: clinical testing. Allele origin: germline.
Comment: In summary, the available evidence is currently insufficient to determine the role of this variant in disease. Therefore, it has been classified as a Variant of Uncertain Significance. Advanced modeling of protein sequence and biophysical properties (such as structural, functional, and spatial information, amino acid conservation, physicochemical variation, residue mobility, and thermodynamic stability) performed at Invitae indicates that this missense variant is not expected to disrupt COL9A2 protein function. This variant has not been reported in the literature in individuals affected with COL9A2-related conditions. This variant is not present in population databases (gnomAD no frequency). This sequence change replaces proline, which is neutral and non-polar, with threonine, which is neutral and polar, at codon 303 of the COL9A2 protein (p.Pro303Thr).

NM_001852.4(COL9A2):c.907C>A (p.Pro303Thr)

Gene: COL9A2 (collagen type IX alpha 2 chain; minus strand). Cytogenetic location: 1p34.2.
Variant type: single nucleotide variant.
Coding change: c.907C>A on transcript NM_001852.4 (MANE Select); coding-DNA position 907, C replaced by A.
Protein change: p.Pro303Thr; replaces proline 303 with threonine.
Molecular consequence: missense variant.
Genome position (GRCh38, 1-based): chr1:40,307,750, G>T on the plus strand (C>A on the coding strand, the complement: COL9A2 is on the minus strand). VCF-style: chr1-40307750-G-T. GRCh37 (hg19) VCF-style: chr1-40773422-G-T.
Other names: short protein forms P303T.
Identifiers: ClinVar variation 2168434 (VCV002168434.4), dbSNP rs1644053001, ClinGen allele CA339852726.